The following is an entry in ClinVar:

NM_000436.4(OXCT1):c.873A>G (p.Glu291=)

Gene: OXCT1 (3-oxoacid CoA-transferase 1; minus strand). Cytogenetic location: 5p13.1.
Variant type: single nucleotide variant.
Coding change: c.873A>G on transcript NM_000436.4 (MANE Select); coding-DNA position 873, A replaced by G.
Protein change: p.Glu291=; no amino-acid change (glutamic acid 291 retained).
Molecular consequence: synonymous variant. On other transcripts: non-coding transcript variant (1).
Genome position (GRCh38, 1-based): chr5:41,805,649, T>C on the plus strand (A>G on the coding strand, the complement: OXCT1 is on the minus strand). VCF-style: chr5-41805649-T-C. GRCh37 (hg19) VCF-style: chr5-41805751-T-C.
Other names: c.894A>G, p.Glu298= (NM_001364299.2, NM_001364300.2); c.867A>G, p.Glu289= (NM_001364301.2); c.873A>G, p.Glu291= (NM_001364302.2); c.315A>G, p.Glu105= (NM_001364303.2).
Identifiers: ClinVar variation 730257 (VCV000730257.11), dbSNP rs371211907, ClinGen allele CA3253446.

ClinVar aggregate classification (germline): Likely benign. Review status: criteria provided, single submitter (1 of 4 stars). 2 submissions from 2 submitters: Likely benign (1). 1 of the submissions does not count toward it. Last evaluated 2024-12-09.

Conditions:
OXCT1-related disorder. Also called: OXCT1-related condition.
Succinyl-CoA acetoacetate transferase deficiency (SCOTD). Also called: Succinyl CoA:3-oxoacid CoA transferase deficiency; SCOT DEFICIENCY; SUCCINYL-CoA:3-KETOACID CoA-TRANSFERASE DEFICIENCY; KETOACIDOSIS DUE TO SCOT DEFICIENCY; 3-Oxoacid CoA Transferase Deficiency. Identifiers: Orphanet 832, MedGen C0342792, MONDO:0009492, OMIM 245050.

Allele frequency attached by ClinVar (database versions not stated): ExAC 0.00005; gnomAD 0.00006; gnomAD exomes 0.00006 and 0.00010; TOPMed 0.00008; ESP Exome Variant Server 0.00015.
gnomAD v4.1: 158 of 1,612,430 alleles (0.0098%); highest among the groups gnomAD compares: Non-Finnish European, 0.012%; no homozygotes.

Submissions (2):

Labcorp Genetics (formerly Invitae), Labcorp
Classification: Likely benign for Succinyl-CoA acetoacetate transferase deficiency. Last evaluated: 2024-12-09. Review status: criteria provided, single submitter. Criteria: Invitae Variant Classification Sherloc (09022015). Collection method: clinical testing. Allele origin: germline.

PreventionGenetics, part of Exact Sciences
Classification: Likely benign for OXCT1-related condition. Last evaluated: 2022-09-08. Review status: no assertion criteria provided. Collection method: clinical testing. Allele origin: germline. Not counted in ClinVar's aggregate classification.
Comment: This variant is classified as likely benign based on ACMG/AMP sequence variant interpretation guidelines (Richards et al. 2015 PMID: 25741868, with internal and published modifications).